The following is an entry in ClinVar:

NM_001001548.3(CD36):c.1199+2T>G

Gene: CD36 (CD36 molecule (CD36 blood group); plus strand). Cytogenetic location: 7q21.11.
Variant type: single nucleotide variant.
Coding change: c.1199+2T>G on transcript NM_001001548.3 (MANE Select); the canonical splice donor site of the intron after coding-DNA position 1199, T replaced by G.
Molecular consequence: splice donor variant.
Genome position (GRCh38, 1-based): chr7:80,672,845, T>G. VCF-style: chr7-80672845-T-G. GRCh37 (hg19) VCF-style: chr7-80302161-T-G.
Other names: c.1199+2T>G (NM_001371075.1, NM_001001547.3, NM_001371074.1 and 5 more transcripts); c.734+2T>G (NM_001371081.1, NM_001371080.1); c.971+2T>G (NM_001289911.2); c.1097+2T>G (NM_001371079.1); c.1019+2T>G (NM_001289909.1); c.1082+2T>G (NM_001289908.1).
Identifiers: ClinVar variation 4279525 (VCV004279525.1).

ClinVar aggregate classification (germline): Uncertain significance (1 of 4 stars; one submission).

Conditions:
Platelet-type bleeding disorder 10. Also called: CD36 DEFICIENCY. Identifiers: MedGen C1842090, MONDO:0012031, OMIM 608404.

gnomAD v4.1: 1 of 1,601,092 alleles (0.000062%); highest among the groups gnomAD compares: Non-Finnish European, 0.000086%; no homozygotes.

Submission:

Department of Paediatrics at Addenbrookes, Cambridge University Hospitals NHS Foundation Trust (UK)
Classification: Uncertain significance for Platelet-type bleeding disorder 10. Last evaluated: 2025-05-27. Review status: criteria provided, single submitter. Criteria: Durkie Uk Practice Guidelines For Variant Classification V12 2024 (1). Collection method: clinical testing. Allele origin: unknown.
Comment: PVS1_Moderate; PM2_Moderate; PP3_Supporting